The following is an entry in ClinVar:

NM_032444.4(SLX4):c.3383A>C (p.Gln1128Pro)

Gene: SLX4 (SLX4 structure-specific endonuclease subunit; minus strand). Cytogenetic location: 16p13.3.
Variant type: single nucleotide variant.
Coding change: c.3383A>C on transcript NM_032444.4 (MANE Select); coding-DNA position 3383, A replaced by C.
Protein change: p.Gln1128Pro; replaces glutamine 1128 with proline.
Molecular consequence: missense variant.
Genome position (GRCh38, 1-based): chr16:3,590,255, T>G on the plus strand (A>C on the coding strand, the complement: SLX4 is on the minus strand). VCF-style: chr16-3590255-T-G. GRCh37 (hg19) VCF-style: chr16-3640256-T-G.
Other names: short protein forms Q1128P.
Identifiers: ClinVar variation 2418369 (VCV002418369.6), dbSNP rs1347910993, ClinGen allele CA394520259.

ClinVar aggregate classification (germline): Uncertain significance (1 of 4 stars; one submission).

Conditions:
Fanconi anemia (FA). Also called: Fanconi's anemia. Identifiers: Orphanet 84, MedGen C0015625, MeSH D005199, MONDO:0019391.

gnomAD v4.1: 1 of 1,614,210 alleles (0.000062%); highest among the groups gnomAD compares: Non-Finnish European, 0.000085%; no homozygotes.

Submission:

Labcorp Genetics (formerly Invitae), Labcorp
Classification: Uncertain significance for Fanconi anemia. Last evaluated: 2022-09-23. Review status: criteria provided, single submitter. Criteria: Invitae Variant Classification Sherloc (09022015). Collection method: clinical testing. Allele origin: germline.
Comment: This variant has not been reported in the literature in individuals affected with SLX4-related conditions. This sequence change replaces glutamine, which is neutral and polar, with proline, which is neutral and non-polar, at codon 1128 of the SLX4 protein (p.Gln1128Pro). This variant is not present in population databases (gnomAD no frequency). Algorithms developed to predict the effect of missense changes on protein structure and function are either unavailable or do not agree on the potential impact of this missense change (SIFT: "Deleterious"; PolyPhen-2: "Probably Damaging"; Align-GVGD: "Class C0"). In summary, the available evidence is currently insufficient to determine the role of this variant in disease. Therefore, it has been classified as a Variant of Uncertain Significance.